The following is an entry in ClinVar:

NM_005554.4(KRT6A):c.147T>C (p.Gly49=)

Gene: KRT6A (keratin 6A; minus strand). Cytogenetic location: 12q13.13.
Variant type: single nucleotide variant.
Coding change: c.147T>C on transcript NM_005554.4 (MANE Select); coding-DNA position 147, T replaced by C.
Protein change: p.Gly49=; no amino-acid change (glycine 49 retained).
Molecular consequence: synonymous variant.
Genome position (GRCh38, 1-based): chr12:52,493,042, A>G on the plus strand (T>C on the coding strand, the complement: KRT6A is on the minus strand). VCF-style: chr12-52493042-A-G. GRCh37 (hg19) VCF-style: chr12-52886826-A-G.
Identifiers: ClinVar variation 725840 (VCV000725840.29), dbSNP rs367621240, ClinGen allele CA6582328.

ClinVar aggregate classification (germline): Benign/Likely benign. Review status: criteria provided, multiple submitters, no conflicts (2 of 4 stars). 4 submissions from 4 submitters: Benign (1); Likely benign (3). Last evaluated 2024-10-24.

Allele frequency attached by ClinVar (database versions not stated): ESP Exome Variant Server 0.00015; gnomAD exomes 0.00024 and 0.00034; ExAC 0.00035; 1000 Genomes Project 0.00080; gnomAD 0.00190 and 0.00194; 1000 Genomes Project 30x 0.00219.

Submissions (4):

Blueprint Genetics
Classification: Likely benign. Last evaluated: 2024-10-24. Review status: criteria provided, single submitter. Criteria: ACMG Guidelines, 2015. Collection method: clinical testing. Allele origin: germline.

CeGaT Center for Human Genetics Tuebingen
Classification: Benign. Last evaluated: 2022-05-01. Review status: criteria provided, single submitter. Criteria: CeGaT Center For Human Genetics Tuebingen Variant Classification Criteria Version 2. Collection method: clinical testing. Allele origin: germline. Affected: yes. Observed: 1 variant allele.
Comment: KRT6A: BS1, BS2

Labcorp Genetics (formerly Invitae), Labcorp
Classification: Likely benign. Last evaluated: 2017-11-15. Review status: criteria provided, single submitter. Criteria: Invitae Variant Classification Sherloc (09022015). Collection method: clinical testing. Allele origin: germline.

Breakthrough Genomics
Classification: Likely benign. Review status: criteria provided, single submitter. Criteria: ACMG Guidelines, 2015. Collection method: not provided. Allele origin: germline. Inheritance: Autosomal dominant inheritance. Affected: yes.